The following is an entry in ClinVar:

NM_003126.4(SPTA1):c.136G>T (p.Gly46Cys)

Gene: SPTA1 (spectrin alpha, erythrocytic 1; minus strand). Cytogenetic location: 1q23.1.
Variant type: single nucleotide variant.
Coding change: c.136G>T on transcript NM_003126.4 (MANE Select); coding-DNA position 136, G replaced by T.
Protein change: p.Gly46Cys; replaces glycine 46 with cysteine.
Molecular consequence: missense variant.
Genome position (GRCh38, 1-based): chr1:158,685,236, C>A on the plus strand (G>T on the coding strand, the complement: SPTA1 is on the minus strand). VCF-style: chr1-158685236-C-A. GRCh37 (hg19) VCF-style: chr1-158655026-C-A.
Other names: short protein forms G46C.
Identifiers: ClinVar variation 2783051 (VCV002783051.3), dbSNP rs1655082524, ClinGen allele CA343026731.

ClinVar aggregate classification (germline): Uncertain significance (1 of 4 stars; one submission).

Allele frequency attached by ClinVar (database versions not stated): gnomAD exomes below 0.00001; gnomAD 0.00001.
gnomAD v4.1: 2 of 1,613,592 alleles (0.00012%); highest among the groups gnomAD compares: Admixed American, 0.0017%; no homozygotes.

Submission:

Labcorp Genetics (formerly Invitae), Labcorp
Classification: Uncertain significance. Last evaluated: 2024-05-01. Review status: criteria provided, single submitter. Criteria: Invitae Variant Classification Sherloc (09022015). Collection method: clinical testing. Allele origin: germline.
Comment: This sequence change replaces glycine, which is neutral and non-polar, with cysteine, which is neutral and slightly polar, at codon 46 of the SPTA1 protein (p.Gly46Cys). This variant is not present in population databases (gnomAD no frequency). This variant has not been reported in the literature in individuals affected with SPTA1-related conditions. Advanced modeling of protein sequence and biophysical properties (such as structural, functional, and spatial information, amino acid conservation, physicochemical variation, residue mobility, and thermodynamic stability) has been performed at Invitae for this missense variant, however the output from this modeling did not meet the statistical confidence thresholds required to predict the impact of this variant on SPTA1 protein function. In summary, the available evidence is currently insufficient to determine the role of this variant in disease. Therefore, it has been classified as a Variant of Uncertain Significance.